The following is an entry in ClinVar:

NM_000455.5(STK11):c.1108+4A>T

Genes: STK11 (serine/threonine kinase 11; plus strand), LOC130062899 (ATAC-STARR-seq lymphoblastoid active region 13597; plus strand). Cytogenetic location: 19p13.3.
Variant type: single nucleotide variant.
Coding change: c.1108+4A>T on transcript NM_000455.5 (MANE Select); 4 bases into the intron after coding-DNA position 1108, A replaced by T.
Molecular consequence: intron variant.
Genome position (GRCh38, 1-based): chr19:1,223,176, A>T. VCF-style: chr19-1223176-A-T. GRCh37 (hg19) VCF-style: chr19-1223175-A-T.
Other names: c.1108+4A>T (NM_001407255.1).
Identifiers: ClinVar variation 3323263 (VCV003323263.1).
Genomic context (GRCh38, chr19:1,223,176, plus strand): 5'-AGGACCTCTTCGACATCGAGGATGACATCATCTACACTCAGGACTTCACGGTGCCCGGTG[A>T]GTCTGGCGGGGGCCCCTGCCCGGCTCTGCTGACTCGGCCAGGATGTCCCACGGGAGCAGG-3'

ClinVar aggregate classification (germline): Uncertain significance (1 of 4 stars; one submission).

Conditions:
Hereditary cancer-predisposing syndrome. Also called: Neoplastic Syndromes, Hereditary; Tumor predisposition; Hereditary neoplastic syndrome; Hereditary Cancer Syndrome. Identifiers: Orphanet 140162, MedGen C0027672, MeSH D009386, MONDO:0015356.

Submission:

Ambry Genetics
Classification: Uncertain significance for Hereditary cancer-predisposing syndrome. Last evaluated: 2024-04-24. Review status: criteria provided, single submitter. Criteria: Ambry Variant Classification Scheme 2023. Collection method: clinical testing. Allele origin: germline.
Comment: The c.1108+4A>T intronic variant results from an A to T substitution 4 nucleotides after coding exon 8 in the STK11 gene. This nucleotide position is well conserved in available vertebrate species. In silico splice site analysis for this alteration is inconclusive. Based on the available evidence, the clinical significance of this variant remains unclear.